The following is an entry in ClinVar:

NM_022489.4(INF2):c.1777G>A (p.Glu593Lys)

Gene: INF2 (inverted formin 2; plus strand). Cytogenetic location: 14q32.33.
Variant type: single nucleotide variant.
Coding change: c.1777G>A on transcript NM_022489.4 (MANE Select); coding-DNA position 1777, G replaced by A.
Protein change: p.Glu593Lys; replaces glutamic acid 593 with lysine.
Molecular consequence: missense variant.
Genome position (GRCh38, 1-based): chr14:104,708,477, G>A. VCF-style: chr14-104708477-G-A. GRCh37 (hg19) VCF-style: chr14-105174814-G-A.
Other names: c.1777G>A, p.Glu593Lys (NM_001031714.4); short protein forms E593K.
Identifiers: ClinVar variation 312694 (VCV000312694.13), dbSNP rs775320095, ClinGen allele CA7372672.

ClinVar aggregate classification (germline): Uncertain significance. Review status: criteria provided, multiple submitters, no conflicts (2 of 4 stars). 2 submissions from 2 submitters: Uncertain significance (2). Last evaluated 2021-04-14.

Conditions:
Focal segmental glomerulosclerosis 5 (FSGS5). Identifiers: Orphanet 656, MedGen C2750475, MONDO:0013191, OMIM 613237.
Charcot-Marie-Tooth disease dominant intermediate E. Also called: CHARCOT-MARIE-TOOTH NEUROPATHY WITH FOCAL SEGMENTAL GLOMERULONEPHRITIS. Identifiers: Orphanet 93114, MedGen C4302667, MONDO:0013758, OMIM 614455.

Allele frequency attached by ClinVar (database versions not stated): gnomAD 0.00001; gnomAD exomes 0.00001 and 0.00003; ExAC 0.00002; TOPMed 0.00002.
gnomAD v4.1: 40 of 1,612,404 alleles (0.0025%); highest among the groups gnomAD compares: Non-Finnish European, 0.0028%; no homozygotes.

Submissions (2):

Labcorp Genetics (formerly Invitae), Labcorp
Classification: Uncertain significance for Charcot-Marie-Tooth disease dominant intermediate E; Focal segmental glomerulosclerosis 5. Last evaluated: 2021-04-14. Review status: criteria provided, single submitter. Criteria: Invitae Variant Classification Sherloc (09022015). Collection method: clinical testing. Allele origin: germline.
Comment: This sequence change replaces glutamic acid with lysine at codon 593 of the INF2 protein (p.Glu593Lys). The glutamic acid residue is weakly conserved and there is a small physicochemical difference between glutamic acid and lysine. This variant is present in population databases (rs775320095, ExAC 0.006%). In summary, the available evidence is currently insufficient to determine the role of this variant in disease. Therefore, it has been classified as a Variant of Uncertain Significance. Algorithms developed to predict the effect of missense changes on protein structure and function are either unavailable or do not agree on the potential impact of this missense change (SIFT: "Tolerated"; PolyPhen-2: "Not Available"; Align-GVGD: "Class C0"). This variant has not been reported in the literature in individuals with INF2-related conditions. ClinVar contains an entry for this variant (Variation ID: 312694).

Illumina Laboratory Services, Illumina
Classification: Uncertain significance for Focal segmental glomerulosclerosis 5. Last evaluated: 2018-01-13. Review status: criteria provided, single submitter. Criteria: ICSL Variant Classification Criteria 13 December 2019. Collection method: clinical testing. Allele origin: germline.